The following is an entry in ClinVar:

NM_014956.5(CEP164):c.2870A>T (p.Gln957Leu)

Gene: CEP164 (centrosomal protein 164; plus strand). Cytogenetic location: 11q23.3.
Variant type: single nucleotide variant.
Coding change: c.2870A>T on transcript NM_014956.5 (MANE Select); coding-DNA position 2870, A replaced by T.
Protein change: p.Gln957Leu; replaces glutamine 957 with leucine.
Molecular consequence: missense variant.
Genome position (GRCh38, 1-based): chr11:117,395,148, A>T. VCF-style: chr11-117395148-A-T. GRCh37 (hg19) VCF-style: chr11-117265864-A-T.
Other names: c.2879A>T, p.Gln960Leu (NM_001271933.2); short protein forms Q957L, Q960L.
Identifiers: ClinVar variation 836608 (VCV000836608.10), dbSNP rs757822725, ClinGen allele CA6295259.

ClinVar aggregate classification (germline): Uncertain significance. Review status: criteria provided, multiple submitters, no conflicts (2 of 4 stars). 3 submissions from 3 submitters: Uncertain significance (3). Last evaluated 2026-03-14.

Conditions:
Inborn genetic diseases. Identifiers: MedGen C0950123, MeSH D030342.
CEP164-related disorder. Also called: CEP164-related condition.
Nephronophthisis 15 (NPHP15). Identifiers: Orphanet 3156, MedGen C3541853, MONDO:0013917, OMIM 614845.

Allele frequency attached by ClinVar (database versions not stated): ExAC 0.00002; gnomAD exomes 0.00003 and 0.00004; TOPMed 0.00003; gnomAD 0.00005 and 0.00006.
gnomAD v4.1: 56 of 1,614,040 alleles (0.0035%); highest among the groups gnomAD compares: Non-Finnish European, 0.0045%; no homozygotes.

Submissions (3):

PreventionGenetics, part of Exact Sciences
Classification: Uncertain significance for CEP164-related condition. Last evaluated: 2026-03-14. Review status: criteria provided, single submitter. Criteria: ACMG Guidelines, 2015. Collection method: clinical testing. Allele origin: germline.
Comment: The CEP164 c.2870A>T variant is predicted to result in the amino acid substitution p.Gln957Leu. To our knowledge, this variant has not been reported in the literature. This variant is reported in 0.0093% of alleles in individuals of European (Non-Finnish) descent in gnomAD. At this time, the clinical significance of this variant is uncertain due to the absence of conclusive functional and genetic evidence.

Labcorp Genetics (formerly Invitae), Labcorp
Classification: Uncertain significance for Nephronophthisis 15. Last evaluated: 2025-09-08. Review status: criteria provided, single submitter. Criteria: Invitae Variant Classification Sherloc (09022015). Collection method: clinical testing. Allele origin: germline.
Comment: This sequence change replaces glutamine, which is neutral and polar, with leucine, which is neutral and non-polar, at codon 957 of the CEP164 protein (p.Gln957Leu). This variant is present in population databases (rs757822725, gnomAD 0.009%). This variant has not been reported in the literature in individuals affected with CEP164-related conditions. ClinVar contains an entry for this variant (Variation ID: 836608). Invitae Evidence Modeling of protein sequence and biophysical properties (such as structural, functional, and spatial information, amino acid conservation, physicochemical variation, residue mobility, and thermodynamic stability) has been performed for this missense variant. However, the output from this modeling did not meet the statistical confidence thresholds required to predict the impact of this variant on CEP164 protein function. In summary, the available evidence is currently insufficient to determine the role of this variant in disease. Therefore, it has been classified as a Variant of Uncertain Significance.

Ambry Genetics
Classification: Uncertain significance for Inborn genetic diseases. Last evaluated: 2025-05-18. Review status: criteria provided, single submitter. Criteria: Ambry Variant Classification Scheme 2023. Collection method: clinical testing. Allele origin: germline.